The following is an entry in ClinVar:

NM_000051.4(ATM):c.71del (p.Lys24fs)

Gene: ATM (ATM serine/threonine kinase; plus strand). Cytogenetic location: 11q22.3.
Variant type: Deletion.
Coding change: c.71del on transcript NM_000051.4 (MANE Select); coding-DNA position 71, one base deleted (A; older notation c.71delA).
Protein change: p.Lys24fs; shifts the reading frame from lysine 24.
Molecular consequence: frameshift variant.
Genome position (GRCh38, 1-based): chr11:108,227,695, A deleted; the last of 3 consecutive A bases (chr11:108,227,693-108,227,695); deleting any one gives the same sequence. VCF-style (leftmost placement, unchanged base first): chr11-108227692-GA-G. GRCh37 (hg19) VCF-style: chr11-108098419-GA-G.
Other names: c.71del, p.Lys24fs (NM_001351834.2, NM_001351835.2, NM_001351836.2); short protein forms K24fs.
Identifiers: ClinVar variation 1757653 (VCV001757653.4), dbSNP rs2496890418, ClinGen allele CA2580082994.
Genomic context (GRCh38, chr11:108,227,692, plus strand): 5'-TAGTACTTAATGATCTGCTTATCTGCTGCCGTCAACTAGAACATGATAGAGCTACAGAAC[GA>G]AAGGTAGTAAATTACTTAAATTCAATTTTTCCTTGAAATAAGTGTGATTAGTAACCCATT-3'

ClinVar aggregate classification (germline): Pathogenic. Review status: criteria provided, multiple submitters, no conflicts (2 of 4 stars). 3 submissions from 3 submitters: Pathogenic (3). Last evaluated 2024-10-03.

Conditions:
Familial cancer of breast. Also called: BREAST CANCER, FAMILIAL; Hereditary breast cancer; hereditary breast carcinoma. Identifiers: Orphanet 227535, MedGen C0346153, MONDO:0016419, OMIM 114480. Disease mechanism: loss of function.
Ataxia-telangiectasia syndrome (AT). Also called: Ataxia telangiectasia (A-T); LOUIS-BAR SYNDROME; Cerebello-oculocutaneous telangiectasia; Immunodeficiency with ataxia telangiectasia; Ataxia-telangiectasia, complementation group D; AT, COMPLEMENTATION GROUP C. Identifiers: Orphanet 100, MedGen C0004135, MONDO:0008840, OMIM 208900.
Hereditary cancer-predisposing syndrome. Also called: Neoplastic Syndromes, Hereditary; Tumor predisposition; Hereditary neoplastic syndrome; Hereditary Cancer Syndrome. Identifiers: Orphanet 140162, MedGen C0027672, MeSH D009386, MONDO:0015356.

Submissions (3):

Labcorp Genetics (formerly Invitae), Labcorp
Classification: Pathogenic for Ataxia-telangiectasia syndrome. Last evaluated: 2024-10-03. Review status: criteria provided, single submitter. Criteria: Invitae Variant Classification Sherloc (09022015). Collection method: clinical testing. Allele origin: germline.
Comment: This sequence change creates a premature translational stop signal (p.Lys24Argfs*10) in the ATM gene. It is expected to result in an absent or disrupted protein product. Loss-of-function variants in ATM are known to be pathogenic (PMID: 23807571, 25614872). This variant is not present in population databases (gnomAD no frequency). This variant has not been reported in the literature in individuals affected with ATM-related conditions. ClinVar contains an entry for this variant (Variation ID: 1757653). Algorithms developed to predict the effect of sequence changes on RNA splicing suggest that this variant may disrupt the consensus splice site. For these reasons, this variant has been classified as Pathogenic.

Myriad Genetics, Inc.
Classification: Pathogenic for Familial cancer of breast. Last evaluated: 2024-01-05. Review status: criteria provided, single submitter. Criteria: Myriad Autosomal Dominant, Autosomal Recessive and X-Linked Classification Criteria (2023). Collection method: clinical testing. Allele origin: unknown.
Comment: This variant is considered pathogenic. This variant creates a frameshift predicted to result in premature protein truncation.

Ambry Genetics
Classification: Pathogenic for Hereditary cancer-predisposing syndrome. Last evaluated: 2021-05-19. Review status: criteria provided, single submitter. Criteria: Ambry Variant Classification Scheme 2023. Collection method: clinical testing. Allele origin: germline.
Comment: The c.71delA pathogenic mutation, located in coding exon 1 of the ATM gene, results from a deletion of one nucleotide at nucleotide position 71, causing a translational frameshift with a predicted alternate stop codon (p.K24Rfs*10). This alteration is expected to result in loss of function by premature protein truncation or nonsense-mediated mRNA decay. As such, this alteration is interpreted as a disease-causing mutation.

Literature cited by the submitters: PubMed 23807571 (cited by Labcorp Genetics (formerly Invitae), Labcorp); PubMed 25614872 (cited by Labcorp Genetics (formerly Invitae), Labcorp).